The following is an entry in ClinVar:

ClinVar aggregate classification (germline): Uncertain significance. Review status: criteria provided, multiple submitters, no conflicts (2 of 4 stars). 2 submissions from 2 submitters: Uncertain significance (2). Last evaluated 2024-05-08.

Conditions:
TMEM165-congenital disorder of glycosylation. Also called: TMEM165-CDG; CDG IIk; Congenital disorder of glycosylation type 2k. Identifiers: Orphanet 314667, MedGen C3553571, MONDO:0013870, OMIM 614727.

Allele frequency attached by ClinVar (database versions not stated): gnomAD exomes below 0.00001 and 0.00001; gnomAD 0.00001; TOPMed 0.00002.
gnomAD v4.1: 7 of 1,472,242 alleles (0.00048%); highest among the groups gnomAD compares: African/African-American, 0.0044%; no homozygotes.

Submissions (2):

Ambry Genetics
Classification: Uncertain significance. Last evaluated: 2024-05-08. Review status: criteria provided, single submitter. Criteria: Ambry Variant Classification Scheme 2023. Collection method: clinical testing. Allele origin: germline.

Baylor Genetics
Classification: Uncertain significance for TMEM165-congenital disorder of glycosylation. Last evaluated: 2018-09-10. Review status: criteria provided, single submitter. Criteria: ACMG Guidelines, 2015. Collection method: clinical testing. Allele origin: unknown. Affected: yes.
Comment: This variant was determined to be of uncertain significance according to ACMG Guidelines, 2015 [PMID:25741868].

NM_018475.5(TMEM165):c.40C>T (p.Pro14Ser)

Genes: TMEM165 (transmembrane protein 165; plus strand), LOC129992613 (ATAC-STARR-seq lymphoblastoid silent region 15439; plus strand). Cytogenetic location: 4q12.
Variant type: single nucleotide variant.
Coding change: c.40C>T on transcript NM_018475.5 (MANE Select); coding-DNA position 40, C replaced by T.
Protein change: p.Pro14Ser; replaces proline 14 with serine.
Molecular consequence: missense variant. On other transcripts: non-coding transcript variant (1).
Genome position (GRCh38, 1-based): chr4:55,396,229, C>T. VCF-style: chr4-55396229-C-T. GRCh37 (hg19) VCF-style: chr4-56262396-C-T.
Other names: c.40C>T (NM_018475.3); short protein forms P14S.
Identifiers: ClinVar variation 1032804 (VCV001032804.2), dbSNP rs1018878795, ClinGen allele CA97484485.